The following is an entry in ClinVar:

NM_020738.4(KIDINS220):c.1501A>G (p.Ile501Val)

Gene: KIDINS220 (kinase D interacting substrate 220; minus strand). Cytogenetic location: 2p25.1.
Variant type: single nucleotide variant.
Coding change: c.1501A>G on transcript NM_020738.4 (MANE Select); coding-DNA position 1501, A replaced by G.
Protein change: p.Ile501Val; replaces isoleucine 501 with valine.
Molecular consequence: missense variant. On other transcripts: non-coding transcript variant (2).
Genome position (GRCh38, 1-based): chr2:8,790,000, T>C on the plus strand (A>G on the coding strand, the complement: KIDINS220 is on the minus strand). VCF-style: chr2-8790000-T-C. GRCh37 (hg19) VCF-style: chr2-8930130-T-C.
Other names: c.1504A>G, p.Ile502Val (NM_001348729.2, NM_001348731.2, NM_001348734.2 and 3 more transcripts); c.1501A>G, p.Ile501Val (NM_001348732.2, NM_001348735.2, NM_001348738.2 and 3 more transcripts); c.1375A>G, p.Ile459Val (NM_001348736.2); short protein forms I459V, I501V, I502V.
Identifiers: ClinVar variation 3384282 (VCV003384282.1).
Genomic context (GRCh38, chr2:8,790,000, plus strand): 5'-GGACCGTGAAGGCAAACAATAAACCAAGCCCTCCACAAAGTAGCAGGGTAAGAAACACTA[T>C]GAGCCATGAGAACTGAAAGAGAGGCTCAATCTGTTGTCCGGCGAAGGTTTTCATTTCGTC-3'
Protein context (NP_065789.1, residues 491-511): IEPLFQFSWL[Ile501Val]VFLTLLLCGG

ClinVar aggregate classification (germline): Uncertain significance (1 of 4 stars; one submission).

gnomAD v4.1: 13 of 1,612,818 alleles (0.00081%); highest among the groups gnomAD compares: South Asian, 0.012%; no homozygotes.

Submission:

GeneDx
Classification: Uncertain significance. Last evaluated: 2024-06-05. Review status: criteria provided, single submitter. Criteria: GeneDx Variant Classification Process June 2021. Collection method: clinical testing. Allele origin: germline. Affected: yes.
Comment: In silico analysis indicates that this missense variant does not alter protein structure/function; Has not been previously published as pathogenic or benign to our knowledge